The following is an entry in ClinVar:

ClinVar aggregate classification (germline): Uncertain significance (1 of 4 stars; one submission).

Submission:

GeneDx
Classification: Uncertain significance. Last evaluated: 2026-04-02. Review status: criteria provided, single submitter. Criteria: GeneDx Variant Classification Process June 2021. Collection method: clinical testing. Allele origin: germline.
Comment: Not observed at significant frequency in large population cohorts (gnomAD); Frameshift variant predicted to result in abnormal protein length as the last 11 amino acid(s) are replaced with 52 different amino acid(s); Has not been previously published as pathogenic or benign to our knowledge

NM_005585.5(SMAD6):c.1455del (p.Cys486fs)

Gene: SMAD6 (SMAD family member 6; plus strand). Cytogenetic location: 15q22.31.
Variant type: Deletion.
Coding change: c.1455del on transcript NM_005585.5 (MANE Select); coding-DNA position 1455, one base deleted (C; older notation c.1455delC).
Protein change: p.Cys486fs; shifts the reading frame from cysteine 486.
Molecular consequence: frameshift variant. On other transcripts: non-coding transcript variant (1).
Genome position (GRCh38, 1-based): chr15:66,781,499, C deleted; the last of 4 consecutive C bases (chr15:66,781,496-66,781,499); deleting any one gives the same sequence. VCF-style (leftmost placement, unchanged base first): chr15-66781495-GC-G. GRCh37 (hg19) VCF-style: chr15-67073833-GC-G.
Other names: short protein forms C486fs.
Identifiers: ClinVar variation 5018018 (VCV005018018.1).
Genomic context (GRCh38, chr15:66,781,495, plus strand): 5'-TCCGCATCAGCTTCGCCAAGGGCTGGGGGCCCTGCTACTCCCGGCAGTTCATCACCTCCT[GC>G]CCCTGCTGGCTGGAGATCCTCCTCAACAACCCCAGATAGTGGCGGCCCCGGCGGGAGGGG-3'